The following is an entry in ClinVar:

NM_001130144.3(LTBP3):c.2416T>A (p.Ser806Thr)

Gene: LTBP3 (latent transforming growth factor beta binding protein 3; minus strand). Cytogenetic location: 11q13.1.
Variant type: single nucleotide variant.
Coding change: c.2416T>A on transcript NM_001130144.3 (MANE Select); coding-DNA position 2416, T replaced by A.
Protein change: p.Ser806Thr; replaces serine 806 with threonine.
Molecular consequence: missense variant.
Genome position (GRCh38, 1-based): chr11:65,543,487, A>T on the plus strand (T>A on the coding strand, the complement: LTBP3 is on the minus strand). VCF-style: chr11-65543487-A-T. GRCh37 (hg19) VCF-style: chr11-65310958-A-T.
Other names: c.2065T>A, p.Ser689Thr (NM_001164266.1); c.2416T>A, p.Ser806Thr (NM_021070.4); short protein forms S689T, S806T.
Identifiers: ClinVar variation 1033313 (VCV001033313.6), dbSNP rs974030785, ClinGen allele CA223962143.

ClinVar aggregate classification (germline): Uncertain significance. Review status: criteria provided, multiple submitters, no conflicts (2 of 4 stars). 3 submissions from 3 submitters: Uncertain significance (3). Last evaluated 2025-08-11.

Conditions:
Inborn genetic diseases. Identifiers: MedGen C0950123, MeSH D030342.
Brachyolmia-amelogenesis imperfecta syndrome. Also called: Dental anomalies and short stature; Tooth agenesis, selective, 6; PLATYSPONDYLY WITH AMELOGENESIS IMPERFECTA. Identifiers: Orphanet 2899, MedGen C1832594, MONDO:0011018, OMIM 601216. Disease mechanism: loss of function.

Allele frequency attached by ClinVar (database versions not stated): TOPMed 0.00002; gnomAD 0.00002; gnomAD exomes 0.00002 and 0.00005.
gnomAD v4.1: 75 of 1,613,946 alleles (0.0046%); highest among the groups gnomAD compares: Non-Finnish European, 0.0062%; no homozygotes.

Submissions (3):

Labcorp Genetics (formerly Invitae), Labcorp
Classification: Uncertain significance for Brachyolmia-amelogenesis imperfecta syndrome. Last evaluated: 2025-08-11. Review status: criteria provided, single submitter. Criteria: Invitae Variant Classification Sherloc (09022015). Collection method: clinical testing. Allele origin: germline.
Comment: This sequence change replaces serine, which is neutral and polar, with threonine, which is neutral and polar, at codon 806 of the LTBP3 protein (p.Ser806Thr). This variant is present in population databases (no rsID available, gnomAD 0.005%). This variant has not been reported in the literature in individuals affected with LTBP3-related conditions. ClinVar contains an entry for this variant (Variation ID: 1033313). An algorithm developed to predict the effect of missense changes on protein structure and function (PolyPhen-2) suggests that this variant is likely to be disruptive. In summary, the available evidence is currently insufficient to determine the role of this variant in disease. Therefore, it has been classified as a Variant of Uncertain Significance.

Ambry Genetics
Classification: Uncertain significance for Inborn genetic diseases. Last evaluated: 2023-09-20. Review status: criteria provided, single submitter. Criteria: Ambry Variant Classification Scheme 2023. Collection method: clinical testing. Allele origin: germline.

Baylor Genetics
Classification: Uncertain significance for Brachyolmia-amelogenesis imperfecta syndrome. Last evaluated: 2018-09-06. Review status: criteria provided, single submitter. Criteria: ACMG Guidelines, 2015. Collection method: clinical testing. Allele origin: paternal. Affected: yes.
Comment: This variant was determined to be of uncertain significance according to ACMG Guidelines, 2015 [PMID:25741868].